The following is an entry in ClinVar:

NM_001382430.1(AKT1):c.374C>T (p.Pro125Leu)

Gene: AKT1 (AKT serine/threonine kinase 1; minus strand). Cytogenetic location: 14q32.33.
Variant type: single nucleotide variant.
Coding change: c.374C>T on transcript NM_001382430.1 (MANE Select); coding-DNA position 374, C replaced by T.
Protein change: p.Pro125Leu; replaces proline 125 with leucine.
Molecular consequence: missense variant.
Genome position (GRCh38, 1-based): chr14:104,775,713, G>A on the plus strand (C>T on the coding strand, the complement: AKT1 is on the minus strand). VCF-style: chr14-104775713-G-A. GRCh37 (hg19) VCF-style: chr14-105242050-G-A.
Other names: c.374C>T, p.Pro125Leu (NM_001014431.2, NM_001014432.2, NM_001382431.1 and 3 more transcripts); short protein forms P125L.
Identifiers: ClinVar variation 1058918 (VCV001058918.11), dbSNP rs759031755, ClinGen allele CA7374805.

ClinVar aggregate classification (germline): Uncertain significance. Review status: criteria provided, multiple submitters, no conflicts (2 of 4 stars). 2 submissions from 2 submitters: Uncertain significance (2). Last evaluated 2024-02-22.

Conditions:
Cowden syndrome 6 (CWS6). Identifiers: Orphanet 201, MedGen C3554519, MONDO:0014048, OMIM 615109.
Inborn genetic diseases. Identifiers: MedGen C0950123, MeSH D030342.

Allele frequency attached by ClinVar (database versions not stated): ExAC 0.00001; gnomAD exomes 0.00001 and 0.00002; gnomAD 0.00002; TOPMed 0.00003.
gnomAD v4.1: 29 of 1,613,974 alleles (0.0018%); highest among the groups gnomAD compares: Non-Finnish European, 0.0024%; no homozygotes.

Submissions (2):

Labcorp Genetics (formerly Invitae), Labcorp
Classification: Uncertain significance for Cowden syndrome 6. Last evaluated: 2024-02-22. Review status: criteria provided, single submitter. Criteria: Invitae Variant Classification Sherloc (09022015). Collection method: clinical testing. Allele origin: germline.
Comment: This sequence change replaces proline, which is neutral and non-polar, with leucine, which is neutral and non-polar, at codon 125 of the AKT1 protein (p.Pro125Leu). This variant is present in population databases (rs759031755, gnomAD 0.002%). This variant has not been reported in the literature in individuals affected with AKT1-related conditions. ClinVar contains an entry for this variant (Variation ID: 1058918). An algorithm developed to predict the effect of missense changes on protein structure and function (PolyPhen-2) suggests that this variant is likely to be tolerated. In summary, the available evidence is currently insufficient to determine the role of this variant in disease. Therefore, it has been classified as a Variant of Uncertain Significance.

Ambry Genetics
Classification: Uncertain significance for Inborn genetic diseases. Last evaluated: 2023-07-23. Review status: criteria provided, single submitter. Criteria: Ambry Variant Classification Scheme 2023. Collection method: clinical testing. Allele origin: germline.
Comment: The p.P125L variant (also known as c.374C>T), located in coding exon 4 of the AKT1 gene, results from a C to T substitution at nucleotide position 374. The proline at codon 125 is replaced by leucine, an amino acid with similar properties. This amino acid position is conserved. In addition, this alteration is predicted to be tolerated by in silico analysis. Since supporting evidence is limited at this time, the clinical significance of this alteration remains unclear.